The following is an entry in ClinVar:

NM_001384732.1(CPLANE1):c.4261C>T (p.Arg1421Cys)

Gene: CPLANE1 (ciliogenesis and planar polarity effector complex subunit 1; minus strand). Cytogenetic location: 5p13.2.
Variant type: single nucleotide variant.
Coding change: c.4261C>T on transcript NM_001384732.1 (MANE Select); coding-DNA position 4261, C replaced by T.
Protein change: p.Arg1421Cys; replaces arginine 1421 with cysteine.
Molecular consequence: missense variant.
Genome position (GRCh38, 1-based): chr5:37,185,008, G>A on the plus strand (C>T on the coding strand, the complement: CPLANE1 is on the minus strand). VCF-style: chr5-37185008-G-A. GRCh37 (hg19) VCF-style: chr5-37185110-G-A.
Other names: c.4261C>T, p.Arg1421Cys (NM_023073.4); c.4261C>T (NM_023073.3); short protein forms R1421C.
Identifiers: ClinVar variation 1022442 (VCV001022442.11), dbSNP rs778919269, ClinGen allele CA3238734.

ClinVar aggregate classification (germline): Uncertain significance. Review status: criteria provided, multiple submitters, no conflicts (2 of 4 stars). 3 submissions from 3 submitters: Uncertain significance (3). Last evaluated 2023-04-24.

Allele frequency attached by ClinVar (database versions not stated): TOPMed below 0.00001; gnomAD 0.00001; gnomAD exomes 0.00001 and 0.00002; ExAC 0.00004.
gnomAD v4.1: 23 of 1,613,844 alleles (0.0014%); highest among the groups gnomAD compares: South Asian, 0.012%; no homozygotes.

Submissions (3):

Labcorp Genetics (formerly Invitae), Labcorp
Classification: Uncertain significance. Last evaluated: 2023-04-24. Review status: criteria provided, single submitter. Criteria: Invitae Variant Classification Sherloc (09022015). Collection method: clinical testing. Allele origin: germline.
Comment: In summary, the available evidence is currently insufficient to determine the role of this variant in disease. Therefore, it has been classified as a Variant of Uncertain Significance. Advanced modeling of protein sequence and biophysical properties (such as structural, functional, and spatial information, amino acid conservation, physicochemical variation, residue mobility, and thermodynamic stability) has been performed at Invitae for this missense variant, however the output from this modeling did not meet the statistical confidence thresholds required to predict the impact of this variant on CPLANE1 protein function. ClinVar contains an entry for this variant (Variation ID: 1022442). This variant has not been reported in the literature in individuals affected with CPLANE1-related conditions. This variant is present in population databases (rs778919269, gnomAD 0.01%). This sequence change replaces arginine, which is basic and polar, with cysteine, which is neutral and slightly polar, at codon 1421 of the CPLANE1 protein (p.Arg1421Cys).

Revvity Omics, Revvity
Classification: Uncertain significance. Last evaluated: 2023-01-18. Review status: criteria provided, single submitter. Criteria: ACMG Guidelines, 2015. Collection method: clinical testing. Allele origin: germline.

Blueprint Genetics
Classification: Uncertain significance. Last evaluated: 2022-12-07. Review status: criteria provided, single submitter. Criteria: ACMG Guidelines, 2015. Collection method: clinical testing. Allele origin: germline.